The following is an entry in ClinVar:

NM_138694.4(PKHD1):c.8068T>C (p.Trp2690Arg)

Gene: PKHD1 (PKHD1 ciliary IPT domain containing fibrocystin/polyductin; minus strand). Cytogenetic location: 6p12.2.
Variant type: single nucleotide variant.
Coding change: c.8068T>C on transcript NM_138694.4 (MANE Select); coding-DNA position 8068, T replaced by C.
Protein change: p.Trp2690Arg; replaces tryptophan 2690 with arginine.
Molecular consequence: missense variant.
Genome position (GRCh38, 1-based): chr6:51,847,814, A>G on the plus strand (T>C on the coding strand, the complement: PKHD1 is on the minus strand). VCF-style: chr6-51847814-A-G. GRCh37 (hg19) VCF-style: chr6-51712612-A-G.
Other names: c.8068T>C (NM_170724.2); c.8068T>C, p.Trp2690Arg (NM_170724.3); short protein forms W2690R.
Identifiers: ClinVar variation 357427 (VCV000357427.34), dbSNP rs886061616, ClinGen allele CA10624394.

ClinVar aggregate classification (germline): Pathogenic/Likely pathogenic. Review status: criteria provided, multiple submitters, no conflicts (2 of 4 stars). 11 submissions from 11 submitters: Pathogenic (5); Likely pathogenic (5). 1 of the submissions does not count toward it. Last evaluated 2026-03-23.

Conditions:
PKHD1-related disorder. Also called: PKHD1-related condition.
Autosomal recessive polycystic kidney disease (ARPKD). Also called: AR polycystic kidney disease. Identifiers: Orphanet 731, Orphanet 8378, MedGen C0085548, MeSH D017044, MONDO:0009889.
Inborn genetic diseases. Identifiers: MedGen C0950123, MeSH D030342.
Polycystic kidney disease 4 (PKD4). Also called: Autosomal Recessive Polycystic Kidney Disease – PKHD1; PKD3; POLYCYSTIC KIDNEY DISEASE 4 WITH OR WITHOUT POLYCYSTIC LIVER DISEASE; POLYCYSTIC KIDNEY AND HEPATIC DISEASE 1; POLYCYSTIC KIDNEY DISEASE, INFANTILE, TYPE I. Identifiers: MedGen C4540575, MONDO:0033004, OMIM 263200.

Allele frequency attached by ClinVar (database versions not stated): gnomAD 0.00001; gnomAD exomes 0.00002 and 0.00003; TOPMed 0.00002.
gnomAD v4.1: 50 of 1,613,996 alleles (0.0031%); highest among the groups gnomAD compares: Non-Finnish European, 0.0041%; no homozygotes.

Submissions (11):

PreventionGenetics, part of Exact Sciences
Classification: Pathogenic for PKHD1-related condition. Last evaluated: 2026-03-23. Review status: criteria provided, single submitter. Criteria: ACMG Guidelines, 2015. Collection method: clinical testing. Allele origin: germline.
Comment: The PKHD1 c.8068T>C variant is predicted to result in the amino acid substitution p.Trp2690Arg. This variant has been reported with different pathogenic PKHD1 variants in individuals with autosomal recessive polycystic kidney disease (ARPKD) (see for example, Bergmann et al. 2005. PubMed ID: 15698423; Gunay-Argan et al. 2009. PubMed ID: 19914852; Sgro et al. 2004. PubMed ID: 14971004). Of note, at PreventionGenetics, we have also found this variant with another pathogenic PKHD1 variant in patients tested for polycystic kidney disease (internal data). This variant is reported in 0.0062% of alleles in individuals of African descent in gnomAD. This variant is interpreted as pathogenic.

Labcorp Genetics (formerly Invitae), Labcorp
Classification: Pathogenic for Autosomal recessive polycystic kidney disease. Last evaluated: 2026-01-22. Review status: criteria provided, single submitter. Criteria: Invitae Variant Classification Sherloc (09022015). Collection method: clinical testing. Allele origin: germline.
Comment: This sequence change replaces tryptophan, which is neutral and slightly polar, with arginine, which is basic and polar, at codon 2690 of the PKHD1 protein (p.Trp2690Arg). This variant is present in population databases (no rsID available, gnomAD 0.007%). This missense change has been observed in individual(s) with autosomal recessive polycystic kidney disease (PMID: 14971004, 15698423, 19021639, 20413436). In at least one individual the data is consistent with being in trans (on the opposite chromosome) from a pathogenic variant. ClinVar contains an entry for this variant (Variation ID: 357427). Invitae Evidence Modeling of protein sequence and biophysical properties (such as structural, functional, and spatial information, amino acid conservation, physicochemical variation, residue mobility, and thermodynamic stability) indicates that this missense variant is expected to disrupt PKHD1 protein function with a positive predictive value of 95%. For these reasons, this variant has been classified as Pathogenic.

Natera, Inc.
Classification: Likely pathogenic for Autosomal recessive polycystic kidney disease. Last evaluated: 2025-12-22. Review status: criteria provided, single submitter. Criteria: Natera Variant Classification Schema (03/2026). Collection method: clinical testing. Allele origin: germline.
Comment: The c.8068T>C variant in PKHD1 is a missense variant predicted to cause substitution of tryptophan to arginine at amino acid 2690. This variant is rare in the general population with a frequency below the threshold expected for the associated phenotype(s). This variant has been observed in one or more individuals affected with the associated recessive disease, as either homozygous or compound heterozygous with a second variant (PMID: 40677324, 14971004, 15698423, 20413436). Additionally, this variant has been observed to segregate in affected family members (PMID: 15698423). Computational prediction algorithms indicate this variant is likely to affect gene or protein function. Given the available evidence, this variant is classified as Likely Pathogenic.

Ambry Genetics
Classification: Pathogenic for Inborn genetic diseases. Last evaluated: 2025-08-05. Review status: criteria provided, single submitter. Criteria: Ambry Variant Classification Scheme 2023. Collection method: clinical testing. Allele origin: germline.
Comment: The c.8068T>C (p.W2690R) alteration is located in exon 50 (coding exon 49) of the PKHD1 gene. This alteration results from a T to C substitution at nucleotide position 8068, causing the tryptophan (W) at amino acid position 2690 to be replaced by an arginine (R). Based on data from gnomAD, this allele has an overall frequency of 0.002% (4/251196) total alleles studied. The highest observed frequency was 0.006% (1/16254) of African alleles. This variant has been identified in the homozygous state and/or in conjunction with other PKHD1 variants in individuals with features consistent with PKHD1-related polycystic kidney disease (Sgro, 2004; Michel-Calemard, 2009; Gunay-Aygun, 2010). This amino acid position is highly conserved in available vertebrate species. This alteration is predicted to be deleterious by in silico analysis. Based on the available evidence, this alteration is classified as pathogenic.

Women's Health and Genetics/Laboratory Corporation of America, LabCorp
Classification: Likely pathogenic for Autosomal recessive polycystic kidney disease. Last evaluated: 2025-06-23. Review status: criteria provided, single submitter. Criteria: LabCorp Variant Classification Summary - May 2015. Collection method: clinical testing. Allele origin: germline.
Comment: Variant summary: PKHD1 c.8068T>C (p.Trp2690Arg) results in a non-conservative amino acid change in the encoded protein sequence. Algorithms developed to predict the effect of missense changes on protein structure and function all suggest that this variant is likely to be disruptive. The variant allele was found at a frequency of 1.6e-05 in 251196 control chromosomes. c.8068T>C has been observed in individual(s) affected with Polycystic Kidney And Hepatic Disease (examples: Sgro_2004, Bergmann_2005, Michel-Calemard_2009, Gunay-Aygun_2010). These data indicate that the variant is likely to be associated with disease. To our knowledge, no experimental evidence demonstrating an impact on protein function has been reported. The following publications have been ascertained in the context of this evaluation (PMID: 15698423, 20413436, 19021639, 14971004). ClinVar contains an entry for this variant (Variation ID: 357427). Based on the evidence outlined above, the variant was classified as likely pathogenic.

Fulgent Genetics
Classification: Pathogenic for Polycystic kidney disease 4. Last evaluated: 2024-01-07. Review status: criteria provided, single submitter. Criteria: ACMG Guidelines, 2015. Collection method: clinical testing. Allele origin: germline.

Blueprint Genetics
Classification: Pathogenic for PKHD1-related disorders. Last evaluated: 2022-07-27. Review status: criteria provided, single submitter. Criteria: ACMG Guidelines, 2015. Collection method: clinical testing. Allele origin: germline. Affected: yes. Observed: 2 variant alleles.

Illumina Laboratory Services, Illumina
Classification: Likely pathogenic for Polycystic kidney disease 4. Last evaluated: 2018-02-20. Review status: criteria provided, single submitter. Criteria: ICSL Variant Classification Criteria 09 May 2019. Collection method: clinical testing. Allele origin: germline.
Comment: The PKHD1 c.8068T>C (p.Trp2690Arg) missense variant has been reported in a compound heterozygous state in four individuals, including a sibling pair, diagnosed with autosomal recessive polycystic kidney disease (Sgro et al. 2004; Bergmann et al. 2005; Michel-Calemard et al. 2009; Gunay-Aygun et al. 2010). The variant was absent from at least 604 control chromosomes and is reported at a frequency of 0.000027 in the European (non-Finnish) population of the Genome Aggregation Database. Based on the evidence, the p.Trp2690Arg variant is classified as likely pathogenic for autosomal recessive polycystic kidney disease. This variant was observed by ICSL as part of a predisposition screen in an ostensibly healthy population.

GeneDx
Classification: Likely pathogenic. Last evaluated: 2017-08-08. Review status: criteria provided, single submitter. Criteria: GeneDx Variant Classification (06012015). Collection method: clinical testing. Allele origin: germline. Affected: yes.
Comment: The W2690R variant in the PKHD1 gene has been reported previously in the heterozygous state with another disease-causing variant in patients with ARPKD and Caroli disease (Sgro et al, 2004; Michel-Calemard et al., 2009; Gunay-Aygun et al., 2010; Gunay-Aygun et al., 2011). The W2690R variant is not observed in large population cohorts (Lek et al., 2016; 1000 Genomes Consortium et al., 2015; Exome Variant Server). The W2690R variant is a non-conservative amino acid substitution, which is likely to impact secondary protein structure as these residues differ in polarity, charge, size and/or other properties. This substitution occurs at a position that is conserved across species, and in silico analysis predicts this variant is probably damaging to the protein structure/function. We interpret W2690R as a likely pathogenic variant.

Baylor Genetics
Classification: Likely pathogenic for Polycystic kidney disease 4. Review status: criteria provided, single submitter. Criteria: ACMG Guidelines, 2015. Collection method: clinical testing. Allele origin: germline.

Counsyl
Classification: Likely pathogenic for Polycystic kidney disease 4. Last evaluated: 2017-08-29. Review status: no assertion criteria provided. Collection method: clinical testing. Allele origin: unknown. Not counted in ClinVar's aggregate classification.

Literature cited by the submitters: PubMed 14971004 (cited by 6 submitters); PubMed 15698423 (cited by 5 submitters); PubMed 19021639 (cited by 5 submitters); PubMed 20413436 (cited by 4 submitters); PubMed 40677324 (cited by Natera, Inc.); PubMed 19914852 (cited by Ambry Genetics and Illumina Laboratory Services, Illumina).